The following is an entry in ClinVar:

ClinVar aggregate classification (germline): Uncertain significance (1 of 4 stars; one submission).

Conditions:
MHC class II deficiency. Also called: Bare lymphocyte syndrome 2; BLS, TYPE II. Identifiers: Orphanet 572, MedGen C5447452, MONDO:0008855.

gnomAD v4.1: 1 of 1,614,222 alleles (0.000062%); no homozygotes.

Submission:

Labcorp Genetics (formerly Invitae), Labcorp
Classification: Uncertain significance for MHC class II deficiency. Last evaluated: 2021-08-27. Review status: criteria provided, single submitter. Criteria: Invitae Variant Classification Sherloc (09022015). Collection method: clinical testing. Allele origin: germline.
Comment: This sequence change replaces leucine with valine at codon 1030 of the CIITA protein (p.Leu1030Val). The leucine residue is weakly conserved and there is a small physicochemical difference between leucine and valine. This variant is not present in population databases (ExAC no frequency). This variant has not been reported in the literature in individuals affected with CIITA-related conditions. Algorithms developed to predict the effect of missense changes on protein structure and function output the following: SIFT: "Tolerated"; PolyPhen-2: "Benign"; Align-GVGD: "Class C0". The valine amino acid residue is found in multiple mammalian species, which suggests that this missense change does not adversely affect protein function. Algorithms developed to predict the effect of sequence changes on RNA splicing suggest that this variant may create or strengthen a splice site. In summary, the available evidence is currently insufficient to determine the role of this variant in disease. Therefore, it has been classified as a Variant of Uncertain Significance.

NM_000246.4(CIITA):c.3088C>G (p.Leu1030Val)

Gene: CIITA (class II major histocompatibility complex transactivator; plus strand). Cytogenetic location: 16p13.13.
Variant type: single nucleotide variant.
Coding change: c.3088C>G on transcript NM_000246.4 (MANE Select); coding-DNA position 3088, C replaced by G.
Protein change: p.Leu1030Val; replaces leucine 1030 with valine.
Molecular consequence: missense variant. On other transcripts: non-coding transcript variant (1).
Genome position (GRCh38, 1-based): chr16:10,918,465, C>G. VCF-style: chr16-10918465-C-G. GRCh37 (hg19) VCF-style: chr16-11012322-C-G.
Other names: c.3091C>G, p.Leu1031Val (NM_001286402.1, NM_001379332.1); c.1336C>G, p.Leu446Val (NM_001286403.2); c.2944C>G, p.Leu982Val (NM_001379330.1); c.2941C>G, p.Leu981Val (NM_001379331.1); c.3088C>G, p.Leu1030Val (NM_001379333.1); c.3019C>G, p.Leu1007Val (NM_001379334.1); short protein forms L1031V, L446V, L981V, L982V, L1007V, L1030V.
Identifiers: ClinVar variation 950762 (VCV000950762.4), dbSNP rs763766993, ClinGen allele CA394722691.